The following is an entry in ClinVar:

ClinVar aggregate classification (germline): Benign/Likely benign. Review status: criteria provided, multiple submitters, no conflicts (2 of 4 stars). 12 submissions from 12 submitters: Benign (1); Likely benign (6). 5 of the submissions do not count toward it. Last evaluated 2025-12-30.

Conditions:
SDHA-related disorder. Also called: SDHA-related condition; SDHA-related disorders.
Hereditary cancer-predisposing syndrome. Also called: Tumor predisposition; Hereditary Cancer Syndrome; Hereditary neoplastic syndrome; Neoplastic Syndromes, Hereditary. Identifiers: Orphanet 140162, MedGen C0027672, MeSH D009386, MONDO:0015356.
Pheochromocytoma/paraganglioma syndrome 5. Also called: Paragangliomas 5; SDHA-Related Hereditary Paraganglioma-Pheochromocytoma Syndrome. Identifiers: Orphanet 29072, MedGen C3279992, MONDO:0013602, OMIM 614165.
Mitochondrial complex II deficiency, nuclear type 1. Also called: SUCCINATE CoQ REDUCTASE DEFICIENCY. Identifiers: Orphanet 3208, MedGen C5700310, MONDO:0100294, OMIM 252011.

Submissions (17):

Labcorp Genetics (formerly Invitae), Labcorp
Classification: Likely benign for Pheochromocytoma/paraganglioma syndrome 5; Mitochondrial complex II deficiency, nuclear type 1. Last evaluated: 2025-12-30. Review status: criteria provided, single submitter. Criteria: Invitae Variant Classification Sherloc (09022015). Collection method: clinical testing. Allele origin: germline.

ARUP Laboratories, Molecular Genetics and Genomics, ARUP Laboratories
Classification: Likely benign. Last evaluated: 2025-07-21. Review status: criteria provided, single submitter. Criteria: ARUP Molecular Germline Variant Investigation Process 2024. Collection method: clinical testing. Allele origin: germline.

Center for Genomic Medicine, Rigshospitalet, Copenhagen University Hospital
Classification: Benign. Last evaluated: 2025-03-04. Review status: criteria provided, single submitter. Criteria: ACMG Guidelines, 2015. Collection method: clinical testing. Allele origin: germline.

Sema4
Classification: Likely benign for Hereditary cancer-predisposing syndrome. Last evaluated: 2021-05-11. Review status: criteria provided, single submitter. Criteria: Sema4 Curation Guidelines. Collection method: curation. Allele origin: germline.

Dubai Health Genomic Medicine Center, Dubai Health
Classification: Likely benign. Last evaluated: 2020-07-23. Review status: criteria provided, single submitter. Criteria: ACMG Guidelines, 2015. Collection method: clinical testing. Allele origin: germline. Affected: yes.

GeneDx
Classification: Likely benign. Last evaluated: 2017-12-21. Review status: criteria provided, single submitter. Criteria: GeneDx Variant Classification (06012015). Collection method: clinical testing. Allele origin: germline. Affected: yes.
Comment: This variant is considered likely benign or benign based on one or more of the following criteria: it is a conservative change, it occurs at a poorly conserved position in the protein, it is predicted to be benign by multiple in silico algorithms, and/or has population frequency not consistent with disease.

Ambry Genetics
Classification: Likely benign for Hereditary cancer-predisposing syndrome. Last evaluated: 2013-12-13. Review status: criteria provided, single submitter. Criteria: Ambry Autosomal Dominant and X-Linked criteria (10/2015). Collection method: clinical testing. Allele origin: germline. Observed: 1 variant allele.

PreventionGenetics, part of Exact Sciences
Classification: Likely benign for SDHA-related condition. Last evaluated: 2022-04-12. Review status: no assertion criteria provided. Collection method: clinical testing. Allele origin: germline. Not counted in ClinVar's aggregate classification.
Comment: This variant is classified as likely benign based on ACMG/AMP sequence variant interpretation guidelines (Richards et al. 2015 PMID: 25741868, with internal and published modifications).

Department of Pathology and Laboratory Medicine, Sinai Health System
Classification: Likely benign. Review status: no assertion criteria provided. Collection method: clinical testing. Allele origin: unknown. Affected: yes. Study: The Canadian Open Genetics Repository (COGR). Not counted in ClinVar's aggregate classification.
Comment: The SDHA c.1765-12_1765-11delCT variant was not identified in the literature, however the variant was identified in dbSNP (ID: rs886060516) as â€šÃ„ÃºWith Uncertain significance alleleâ€šÃ„Ã¹. In ClinVar, there were five submissions with conflicting interpretations of pathogenicity under the alias c.1909-12_1909-11delCT (NM_004168.3): likely benign (GeneDx and Ambry Genetics) and uncertain significance (3 submissions from Illumina). The associated conditions are: Pheochromocytoma, Leigh syndrome, Mitochondrial complex II deficiency, and Hereditary cancer-predisposing syndrome. The variant was also identified in LOVD 3.0 (benign), however it was not identified in the Cosmic or MutDB databases. The variant was identified in control databases in 34 of 279302 chromosomes at a frequency of 0.000122 increasing the likelihood this could be a low frequency benign variant (Genome Aggregation Database Feb 27, 2017). The variant was observed in the following populations: African in 9 of 24098 chromosomes (freq: 0.000374), Other in 2 of 7122 chromosomes (freq: 0.000281), European (Finnish) in 6 of 24800 chromosomes (freq: 0.000242), Ashkenazi Jewish in 1 of 10342 chromosomes (freq: 0.000097), European (non-Finnish) in 12 of 127414 chromosomes (freq: 0.000094), Latino in 3 of 35228 chromosomes (freq: 0.000085) and East Asian in 1 of 19696 chromosomes (freq: 0.000051), while the variant was not observed in the South Asian population. All four in silico splicing prediction programs (SpliceSiteFinder-like, MaxEntScan, NNSPLICE, and GeneSplicer) do not predict an impact on splicing and MutationTaster has predicted the variant to be a polymorphism. In summary, based on the above information the clinical significance of this variant cannot be determined with certainty at this time although we would lean towards a more benign role for this variant. This variant is classified as likely benign.

Diagnostic Laboratory, Department of Genetics, University Medical Center Groningen
Classification: Benign. Review status: no assertion criteria provided. Collection method: clinical testing. Allele origin: germline. Affected: yes. Study: VKGL Data-share Consensus. Not counted in ClinVar's aggregate classification.

Dr. Peter K. Rogan Lab, Western University
No classification provided (evidence only). Condition: Familial cancer of breast. Review status: no classification provided. Collection method: in vitro. Allele origin: not applicable. Functional consequence: retained intron. Not counted in ClinVar's aggregate classification.

Dr. Peter K. Rogan Lab, Western University
No classification provided (evidence only). Condition: Familial cancer of breast. Review status: no classification provided. Collection method: in vitro. Allele origin: not applicable. Functional consequence: retained intron. Not counted in ClinVar's aggregate classification.

Dr. Peter K. Rogan Lab, Western University
No classification provided (evidence only). Condition: Squamous cell lung carcinoma. Review status: no classification provided. Collection method: in vitro. Allele origin: not applicable. Functional consequence: retained intron. Not counted in ClinVar's aggregate classification.

Dr. Peter K. Rogan Lab, Western University
No classification provided (evidence only). Condition: Malignant tumor of esophagus. Review status: no classification provided. Collection method: in vitro. Allele origin: not applicable. Functional consequence: retained intron. Not counted in ClinVar's aggregate classification.

Dr. Peter K. Rogan Lab, Western University
No classification provided (evidence only). Condition: Ovarian cancer. Review status: no classification provided. Collection method: in vitro. Allele origin: not applicable. Functional consequence: retained intron. Not counted in ClinVar's aggregate classification.

Genome Diagnostics Laboratory, Amsterdam University Medical Center
Classification: Benign. Review status: no assertion criteria provided. Collection method: clinical testing. Allele origin: germline. Affected: yes. Study: VKGL Data-share Consensus. Not counted in ClinVar's aggregate classification.

Genome Diagnostics Laboratory, University Medical Center Utrecht
Classification: Likely benign. Review status: no assertion criteria provided. Collection method: clinical testing. Allele origin: germline. Affected: yes. Study: VKGL Data-share Consensus. Not counted in ClinVar's aggregate classification.

Literature cited by the submitters: PubMed 28552549 (cited by Sema4).

NM_004168.4(SDHA):c.1909-12_1909-11del

Gene: SDHA (succinate dehydrogenase complex flavoprotein subunit A; plus strand). Cytogenetic location: 5p15.33.
Variant type: Microsatellite.
Coding change: c.1909-12_1909-11del on transcript NM_004168.4 (MANE Select); 12 bases into the intron before coding-DNA position 1909 through 11 bases into the intron before coding-DNA position 1909, 2 bases deleted (CT; older notation c.1909-12_1909-11delCT).
Molecular consequence: intron variant.
Genome position (GRCh38, 1-based): chr5:256,322-256,323, CT deleted; deleting any 2 consecutive bases within chr5:256,320-256,323 gives the same sequence; the c. name uses the placement nearest the transcript's 3' end. VCF-style (leftmost placement, unchanged base first): chr5-256319-ACT-A. GRCh37 (hg19) VCF-style: chr5-256434-ACT-A.
Other names: c.1666-12_1666-11del (NM_001330758.2); c.1765-12_1765-11del (NM_001294332.2); c.1909-12_1909-11delCT (NM_004168.4).
Identifiers: ClinVar variation 353206 (VCV000353206.29), dbSNP rs372662724, ClinGen allele CA3173456.